The following is an entry in ClinVar:

NM_005883.3(APC2):c.4473G>A (p.Gly1491=)

Gene: APC2 (APC regulator of Wnt signaling pathway 2; plus strand). Cytogenetic location: 19p13.3.
Variant type: single nucleotide variant.
Coding change: c.4473G>A on transcript NM_005883.3 (MANE Select); coding-DNA position 4473, G replaced by A.
Protein change: p.Gly1491=; no amino-acid change (glycine 1491 retained).
Molecular consequence: synonymous variant.
Genome position (GRCh38, 1-based): chr19:1,467,774, G>A. VCF-style: chr19-1467774-G-A. GRCh37 (hg19) VCF-style: chr19-1467773-G-A.
Other names: c.4470G>A, p.Gly1490= (NM_001351273.1); c.4473G>A (NM_005883.2).
Identifiers: ClinVar variation 2045475 (VCV002045475.6), dbSNP rs113406504, ClinGen allele CA9045822.

ClinVar aggregate classification (germline): Benign. Review status: criteria provided, single submitter (1 of 4 stars). 2 submissions from 2 submitters: Benign (1). 1 of the submissions does not count toward it. Last evaluated 2026-01-23.

Conditions:
APC2-related disorder. Also called: APC2-Related Disorders; APC2-related condition.

Allele frequency attached by ClinVar (database versions not stated): gnomAD exomes 0.00160; ESP Exome Variant Server 0.01318; 1000 Genomes Project 0.01837; gnomAD 0.01870; 1000 Genomes Project 30x 0.01999; TOPMed 0.02056; ExAC 0.04103.
gnomAD v4.1: 4,986 of 1,432,918 alleles (0.35%); highest among the groups gnomAD compares: African/African-American, 6.6%; 153 homozygotes.

Submissions (2):

Labcorp Genetics (formerly Invitae), Labcorp
Classification: Benign. Last evaluated: 2026-01-23. Review status: criteria provided, single submitter. Criteria: Invitae Variant Classification Sherloc (09022015). Collection method: clinical testing. Allele origin: germline.

PreventionGenetics, part of Exact Sciences
Classification: Benign for APC2-related condition. Last evaluated: 2019-04-09. Review status: no assertion criteria provided. Collection method: clinical testing. Allele origin: germline. Not counted in ClinVar's aggregate classification.
Comment: This variant is classified as benign based on ACMG/AMP sequence variant interpretation guidelines (Richards et al. 2015 PMID: 25741868, with internal and published modifications).